The following is an entry in ClinVar:

ClinVar aggregate classification (germline): Likely pathogenic (1 of 4 stars; one submission).

Submission:

Quest Diagnostics Nichols Institute San Juan Capistrano
Classification: Likely pathogenic. Last evaluated: 2021-07-26. Review status: criteria provided, single submitter. Criteria: ACMG/ClinGen CNV Guidelines, 2019. Collection method: clinical testing. Allele origin: unknown.
Comment: The copy number gain of 5q35.2q35.3 involves multiple protein-coding genes, including NSD1 (OMIM 606681), SLC34A1 (OMIM 182309), and F12 (OMIM 610619). Haploinsufficiency of NSD1 is associated with Sotos syndrome 1 (OMIM 117550). The NSD1 gene, however, is not currently classified as triplosensitive, although it is contained within the shortest region of overlap within a larger 5q35 recurrent region associated with reversed Sotos syndrome phenotype, commonly including short stature, microcephaly, delayed bone age, and developmental delay/intellectual disability. Case reports with smaller overlapping duplications of this region that include NSD1 were described with Silver-Russell syndrome (SRS), and three with reverse Sotos syndrome (Kirchhoff et al., Eur J Med Genet. Jan-Feb 2007;50(1):33-42. PMID: 17090394; Reis et al., Genet Mol Res. 2017 Jan 23;16(1). PMID: 28128410; Sachwitz et al., Clin Genet. 2017 Jan;91(1):73-78. PMID: 27172843; Rosenfeld et al., Mol Syndromol. 2013 Jan;3(6):247-54. PMID: 23599694). The individual with SRS carried a de novo 381 Kb duplication. Two individuals with reverse Sotos syndrome carried de novo duplications and one carried a maternally inherited duplication. All patients had phenotypes involving growth retardation and facial anomalies. Thus, the clinical significance of this copy number variant (CNV) is likely pathogenic. Additional information on this duplication as follows: heterozygous sequence variants of SLC34A1 cause hypophosphatemic nephrolithiasis/osteoporosis-1 (OMIM 612286), heterozygous activating variants of F12 cause hereditary angioedema-3 (OMIM 610618), and heterozygous sequence variants of DDX41 have been associated with increased susceptibility to multiple types of familial myelo- and lymphoproliferative neoplasms (OMIM 616871).

GRCh37/hg19 5q35.2-35.3(chr5:176547912-177126647)x3

Genes: PFN3 (profilin 3; minus strand), PRELID1 (PRELI domain containing 1; plus strand), PRR7 (proline rich 7, synaptic; plus strand), RAB24 (RAB24, member RAS oncogene family; minus strand), RGS14 (regulator of G protein signaling 14; plus strand) and 13 more. Cytogenetic location: 5q35.2-35.3.
Variant type: copy number gain.
Change: copy number 3 (three copies instead of two) of chr5:176,547,912-177,126,647 (578.7 kb, GRCh37 coordinates, 1-based), cytogenetic band 5q35.2-35.3.
Identifiers: ClinVar variation 1807722 (VCV001807722.1).